The following is an entry in ClinVar:

NM_018676.4(THSD1):c.2146A>T (p.Ser716Cys)

Gene: THSD1 (thrombospondin type 1 domain containing 1; minus strand). Cytogenetic location: 13q14.3.
Variant type: single nucleotide variant.
Coding change: c.2146A>T on transcript NM_018676.4 (MANE Select); coding-DNA position 2146, A replaced by T.
Protein change: p.Ser716Cys; replaces serine 716 with cysteine.
Molecular consequence: missense variant.
Genome position (GRCh38, 1-based): chr13:52,377,824, T>A on the plus strand (A>T on the coding strand, the complement: THSD1 is on the minus strand). VCF-style: chr13-52377824-T-A. GRCh37 (hg19) VCF-style: chr13-52951959-T-A.
Other names: c.1987A>T, p.Ser663Cys (NM_199263.3); short protein forms S663C, S716C.
Identifiers: ClinVar variation 4530848 (VCV004530848.1).

ClinVar aggregate classification (germline): Uncertain significance (1 of 4 stars; one submission).

gnomAD v4.1: 485 of 1,614,094 alleles (0.03%); highest among the groups gnomAD compares: Non-Finnish European, 0.036%; no homozygotes.

Submission:

GeneDx
Classification: Uncertain significance. Last evaluated: 2025-05-19. Review status: criteria provided, single submitter. Criteria: GeneDx Variant Classification Process June 2021. Collection method: clinical testing. Allele origin: germline. Affected: yes.
Comment: In silico analysis suggests that this missense variant does not alter protein structure/function; Has not been previously published as pathogenic or benign to our knowledge